The following is an entry in ClinVar:

ClinVar aggregate classification (germline): Uncertain significance (1 of 4 stars; one submission).

Submission:

Ambry Genetics
Classification: Uncertain significance. Last evaluated: 2024-04-05. Review status: criteria provided, single submitter. Criteria: Ambry Variant Classification Scheme 2023. Collection method: clinical testing. Allele origin: germline.
Comment: The p.P1109H variant (also known as c.3326C>A), located in coding exon 17 of the NPAT gene, results from a C to A substitution at nucleotide position 3326. The proline at codon 1109 is replaced by histidine, an amino acid with similar properties. This amino acid position is conserved. In addition, this alteration is predicted to be tolerated by in silico analysis. Based on the available evidence, the clinical significance of this variant remains unclear.

NM_002519.3(NPAT):c.3326C>A (p.Pro1109His)

Gene: NPAT (nuclear protein, coactivator of histone transcription; minus strand). Cytogenetic location: 11q22.3.
Variant type: single nucleotide variant.
Coding change: c.3326C>A on transcript NM_002519.3 (MANE Select); coding-DNA position 3326, C replaced by A.
Protein change: p.Pro1109His; replaces proline 1109 with histidine.
Molecular consequence: missense variant.
Genome position (GRCh38, 1-based): chr11:108,161,760, G>T on the plus strand (C>A on the coding strand, the complement: NPAT is on the minus strand). VCF-style: chr11-108161760-G-T. GRCh37 (hg19) VCF-style: chr11-108032487-G-T.
Other names: c.3347C>A, p.Pro1116His (NM_001321307.1); short protein forms P1116H, P1109H.
Identifiers: ClinVar variation 3300655 (VCV003300655.1).